The following is an entry in ClinVar:

ClinVar aggregate classification (germline): Likely benign (1 of 4 stars; one submission).

Allele frequency attached by ClinVar (database versions not stated): gnomAD exomes 0.00001; gnomAD 0.00002; ExAC 0.00003; TOPMed 0.00003; 1000 Genomes Project 0.00020; 1000 Genomes Project 30x 0.00047.
gnomAD v4.1: 9 of 764,556 alleles (0.0012%); highest among the groups gnomAD compares: East Asian, 0.0097%; no homozygotes.

Submission:

CeGaT Center for Human Genetics Tuebingen
Classification: Likely benign. Last evaluated: 2024-04-01. Review status: criteria provided, single submitter. Criteria: CeGaT Center For Human Genetics Tuebingen Variant Classification Criteria Version 2. Collection method: clinical testing. Allele origin: germline. Affected: yes. Observed: 1 variant allele.
Comment: MUC5AC: BP4, BP7

NM_001304359.2(MUC5AC):c.14901C>T (p.Cys4967=)

Gene: MUC5AC (mucin 5AC, oligomeric mucus/gel-forming; plus strand). Cytogenetic location: 11p15.5.
Variant type: single nucleotide variant.
Coding change: c.14901C>T on transcript NM_001304359.2 (MANE Select); coding-DNA position 14901, C replaced by T.
Protein change: p.Cys4967=; no amino-acid change (cysteine 4967 retained).
Molecular consequence: synonymous variant.
Genome position (GRCh38, 1-based): chr11:1,194,255, C>T. VCF-style: chr11-1194255-C-T. GRCh37 (hg19) VCF-style: chr11-1215481-C-T.
Identifiers: ClinVar variation 3234529 (VCV003234529.20), dbSNP rs188152234, ClinGen allele CA5802917.